The following is an entry in ClinVar:

NM_001349253.2(SCN11A):c.1294A>G (p.Lys432Glu)

Gene: SCN11A (sodium voltage-gated channel alpha subunit 11; minus strand). Cytogenetic location: 3p22.2.
Variant type: single nucleotide variant.
Coding change: c.1294A>G on transcript NM_001349253.2 (MANE Select); coding-DNA position 1294, A replaced by G.
Protein change: p.Lys432Glu; replaces lysine 432 with glutamic acid.
Molecular consequence: missense variant.
Genome position (GRCh38, 1-based): chr3:38,909,002, T>C on the plus strand (A>G on the coding strand, the complement: SCN11A is on the minus strand). VCF-style: chr3-38909002-T-C. GRCh37 (hg19) VCF-style: chr3-38950493-T-C.
Other names: c.1294A>G, p.Lys432Glu (NM_014139.3); short protein forms K432E.
Identifiers: ClinVar variation 1507774 (VCV001507774.8), dbSNP rs1553639439, ClinGen allele CA352167730.

ClinVar aggregate classification (germline): Uncertain significance (1 of 4 stars; one submission).

Conditions:
Hereditary sensory and autonomic neuropathy type 7. Also called: Neuropathy, hereditary sensory and autonomic, type VII; HSAN VII. Identifiers: Orphanet 391397, MedGen C3809882, MONDO:0014244, OMIM 615548.
Familial episodic pain syndrome with predominantly lower limb involvement. Also called: Episodic pain syndrome, familial, 3. Identifiers: Orphanet 391384, Orphanet 391392, MedGen C3809899, MONDO:0014247, OMIM 615552.

Submission:

Labcorp Genetics (formerly Invitae), Labcorp
Classification: Uncertain significance for Familial episodic pain syndrome with predominantly lower limb involvement; Hereditary sensory and autonomic neuropathy type 7. Last evaluated: 2021-07-26. Review status: criteria provided, single submitter. Criteria: Invitae Variant Classification Sherloc (09022015). Collection method: clinical testing. Allele origin: germline.
Comment: In summary, the available evidence is currently insufficient to determine the role of this variant in disease. Therefore, it has been classified as a Variant of Uncertain Significance. Algorithms developed to predict the effect of missense changes on protein structure and function are either unavailable or do not agree on the potential impact of this missense change (SIFT: "Deleterious"; PolyPhen-2: "Benign"; Align-GVGD: "Class C0"). This variant has not been reported in the literature in individuals affected with SCN11A-related conditions. This variant is not present in population databases (ExAC no frequency). This sequence change replaces lysine with glutamic acid at codon 432 of the SCN11A protein (p.Lys432Glu). The lysine residue is moderately conserved and there is a small physicochemical difference between lysine and glutamic acid.